The following is an entry in ClinVar:

NM_006514.4(SCN10A):c.969T>C (p.Tyr323=)

Gene: SCN10A (sodium voltage-gated channel alpha subunit 10; minus strand). Cytogenetic location: 3p22.2.
Variant type: single nucleotide variant.
Coding change: c.969T>C on transcript NM_006514.4 (MANE Select); coding-DNA position 969, T replaced by C.
Protein change: p.Tyr323=; no amino-acid change (tyrosine 323 retained).
Molecular consequence: synonymous variant.
Genome position (GRCh38, 1-based): chr3:38,757,141, A>G on the plus strand (T>C on the coding strand, the complement: SCN10A is on the minus strand). VCF-style: chr3-38757141-A-G. GRCh37 (hg19) VCF-style: chr3-38798632-A-G.
Other names: c.969T>C, p.Tyr323= (NM_001293306.2, NM_001293307.2).
Identifiers: ClinVar variation 463275 (VCV000463275.46), dbSNP rs143668889, ClinGen allele CA2321000.

ClinVar aggregate classification (germline): Likely benign. Review status: criteria provided, multiple submitters, no conflicts (2 of 4 stars). 8 submissions from 8 submitters: Likely benign (6). 2 of the submissions do not count toward it. Last evaluated 2026-05-01.

Conditions:
SCN10A-related disorder. Also called: SCN10A-related condition.
Cardiovascular phenotype. Identifiers: MedGen CN230736.
Brugada syndrome. Also called: Sudden unexpected nocturnal death syndrome; Sudden unexplained nocturnal death syndrome; Sudden Unexplained Death Syndrome; Sudden Unexplained Nocturnal Death Syndrome (SUNDS). Identifiers: Orphanet 130, MedGen C1142166, MONDO:0015263.

Allele frequency attached by ClinVar (database versions not stated): TOPMed 0.00016; gnomAD 0.00021 and 0.00023; gnomAD exomes 0.00026; ExAC 0.00028; ESP Exome Variant Server 0.00054.

Submissions (8):

CeGaT Center for Human Genetics Tuebingen
Classification: Likely benign. Last evaluated: 2026-05-01. Review status: criteria provided, single submitter. Criteria: CeGaT Center For Human Genetics Tuebingen Variant Classification Criteria Version 2. Collection method: clinical testing. Allele origin: germline. Affected: yes. Observed: 5 variant alleles.
Comment: SCN10A: BP4, BP7

Labcorp Genetics (formerly Invitae), Labcorp
Classification: Likely benign for Brugada syndrome. Last evaluated: 2026-01-28. Review status: criteria provided, single submitter. Criteria: Invitae Variant Classification Sherloc (09022015). Collection method: clinical testing. Allele origin: germline.

PreventionGenetics, part of Exact Sciences
Classification: Likely benign for SCN10A-related condition. Last evaluated: 2025-12-29. Review status: criteria provided, single submitter. Criteria: ACMG Guidelines, 2015. Collection method: clinical testing. Allele origin: germline.
Comment: This variant is classified as likely benign based on ACMG/AMP sequence variant interpretation guidelines (Richards et al. 2015 PMID: 25741868, with internal and published modifications).

Blueprint Genetics
Classification: Likely benign. Last evaluated: 2024-10-09. Review status: criteria provided, single submitter. Criteria: ACMG Guidelines, 2015. Collection method: clinical testing. Allele origin: germline.

Ambry Genetics
Classification: Likely benign for Cardiovascular phenotype. Last evaluated: 2019-09-10. Review status: criteria provided, single submitter. Criteria: Ambry Variant Classification Scheme 2023. Collection method: clinical testing. Allele origin: germline.

GeneDx
Classification: Likely benign. Last evaluated: 2017-07-20. Review status: criteria provided, single submitter. Criteria: GeneDx Variant Classification (06012015). Collection method: clinical testing. Allele origin: germline. Affected: yes.
Comment: This variant is considered likely benign or benign based on one or more of the following criteria: it is a conservative change, it occurs at a poorly conserved position in the protein, it is predicted to be benign by multiple in silico algorithms, and/or has population frequency not consistent with disease.

Clinical Genetics, Academic Medical Center
Classification: Benign. Review status: no assertion criteria provided. Collection method: clinical testing. Allele origin: germline. Affected: yes. Study: VKGL Data-share Consensus. Not counted in ClinVar's aggregate classification.

Joint Genome Diagnostic Labs from Nijmegen and Maastricht, Radboudumc and MUMC+
Classification: Likely benign. Review status: no assertion criteria provided. Collection method: clinical testing. Allele origin: germline. Affected: yes. Study: VKGL Data-share Consensus. Not counted in ClinVar's aggregate classification.